The following is an entry in ClinVar:

NM_152703.5(SAMD9L):c.4289C>G (p.Ala1430Gly)

Gene: SAMD9L (sterile alpha motif domain containing 9 like; minus strand). Cytogenetic location: 7q21.2.
Variant type: single nucleotide variant.
Coding change: c.4289C>G on transcript NM_152703.5 (MANE Select); coding-DNA position 4289, C replaced by G.
Protein change: p.Ala1430Gly; replaces alanine 1430 with glycine.
Molecular consequence: missense variant.
Genome position (GRCh38, 1-based): chr7:93,131,683, G>C on the plus strand (C>G on the coding strand, the complement: SAMD9L is on the minus strand). VCF-style: chr7-93131683-G-C. GRCh37 (hg19) VCF-style: chr7-92760996-G-C.
Other names: c.4289C>G, p.Ala1430Gly (NM_001303496.3, NM_001303497.3, NM_001303498.3 and 5 more transcripts); short protein forms A1430G.
Identifiers: ClinVar variation 3949968 (VCV003949968.1).
Genomic context (GRCh38, chr7:93,131,683, plus strand): 5'-TTTTCTATTAGTTTGGAATCTTGATCTAGCTCTTGATTTTCTGGCCAGAACAGGAGGCAG[G>C]CCAAGAAATAAGGACCTGGATATTGATGACTTAGTCCTACAAATTGCAAGACCTCTCGGA-3'
Protein context (NP_689916.2, residues 1420-1440): SHQYPGPYFL[Ala1430Gly]CLLFWPENQE

ClinVar aggregate classification (germline): Uncertain significance (1 of 4 stars; one submission).

Conditions:
Inborn genetic diseases. Identifiers: MedGen C0950123, MeSH D030342.

gnomAD v4.1: 1 of 1,613,858 alleles (0.000062%); no homozygotes.

Submission:

Ambry Genetics
Classification: Uncertain significance for Inborn genetic diseases. Last evaluated: 2025-05-28. Review status: criteria provided, single submitter. Criteria: Ambry Variant Classification Scheme 2023. Collection method: clinical testing. Allele origin: germline.
Comment: The p.A1430G variant (also known as c.4289C>G), located in coding exon 1 of the SAMD9L gene, results from a C to G substitution at nucleotide position 4289. The alanine at codon 1430 is replaced by glycine, an amino acid with similar properties. This amino acid position is conserved. In addition, this alteration is predicted to be tolerated by in silico analysis. Based on the available evidence, the clinical significance of this variant remains unclear.